The following is an entry in ClinVar:

NM_020433.5(JPH2):c.479G>A (p.Arg160His)

Gene: JPH2 (junctophilin 2; minus strand). Cytogenetic location: 20q13.12.
Variant type: single nucleotide variant.
Coding change: c.479G>A on transcript NM_020433.5 (MANE Select); coding-DNA position 479, G replaced by A.
Protein change: p.Arg160His; replaces arginine 160 with histidine.
Molecular consequence: missense variant.
Genome position (GRCh38, 1-based): chr20:44,160,308, C>T on the plus strand (G>A on the coding strand, the complement: JPH2 is on the minus strand). VCF-style: chr20-44160308-C-T. GRCh37 (hg19) VCF-style: chr20-42788948-C-T.
Other names: short protein forms R160H.
Identifiers: ClinVar variation 1743163 (VCV001743163.11), dbSNP rs1296009403, ClinGen allele CA409094300.

ClinVar aggregate classification (germline): Conflicting classifications of pathogenicity. Review status: criteria provided, conflicting classifications (1 of 4 stars). 2 submissions from 2 submitters: Pathogenic (1); Uncertain significance (1). Last evaluated 2024-09-01.

Conditions:
Cardiovascular phenotype. Identifiers: MedGen CN230736.
Primary dilated cardiomyopathy (DCM). Also called: Dilated Cardiomyopathy. Identifiers: Orphanet 217604, MedGen C0007193, MeSH D002311, MONDO:0005021, HP:0001644. Inheritance: Various modes of inheritance.

Submissions (2):

Clinical Center for Gene Diagnosis and Therapy, Department of Cardiovascular Surgery, The Second Xiangya Hospital of Central South University
Classification: Pathogenic for Primary dilated cardiomyopathy. Last evaluated: 2024-09-01. Review status: criteria provided, single submitter. Criteria: ACMG Guidelines, 2015. Collection method: clinical testing. Allele origin: germline. Inheritance: Autosomal dominant inheritance. Affected: yes.
Comment: PS2: Confirmed de novo occurrence in the proband, with parental genotyping verifying no family history.PS3: Functional studies via molecular biology assays demonstrated that the variant leads to altered JPH2 expression and upregulation of established DCM biomarkers (α-SMA and MYH7), confirming a damaging effect on protein function.PM2: Absent from controls in the gnomAD population database.PP4: The patient's phenotype (familial dilated cardiomyopathy) is highly specific for and consistent with autosomal dominant inheritance patterns associated with JPH2.The combined evidence supports a Pathogenic assertion.

Ambry Genetics
Classification: Uncertain significance for Cardiovascular phenotype. Last evaluated: 2022-08-03. Review status: criteria provided, single submitter. Criteria: Ambry Variant Classification Scheme 2023. Collection method: clinical testing. Allele origin: germline.
Comment: The p.R160H variant (also known as c.479G>A), located in coding exon 2 of the JPH2 gene, results from a G to A substitution at nucleotide position 479. The arginine at codon 160 is replaced by histidine, an amino acid with highly similar properties. This amino acid position is conserved. In addition, the in silico prediction for this alteration is inconclusive. Since supporting evidence is limited at this time, the clinical significance of this alteration remains unclear.